The following is an entry in ClinVar:

ClinVar aggregate classification (germline): Uncertain significance. Review status: criteria provided, multiple submitters, no conflicts (2 of 4 stars). 2 submissions from 2 submitters: Uncertain significance (2). Last evaluated 2019-06-26.

Conditions:
Cardiovascular phenotype. Identifiers: MedGen CN230736.
Dilated cardiomyopathy 1Z (CMD1Z). Identifiers: Orphanet 154, MedGen C2678475, MONDO:0012745, OMIM 611879.
Hypertrophic cardiomyopathy 13. Also called: TNNC1-Related Familial Hypertrophic Cardiomyopathy. Identifiers: MedGen C2750472, MONDO:0013195, OMIM 613243.

Submissions (2):

New York Genome Center
Classification: Uncertain significance for Hypertrophic cardiomyopathy 13; Dilated cardiomyopathy 1Z. Last evaluated: 2019-06-26. Review status: criteria provided, single submitter. Criteria: NYGC Assertion Criteria 2020. Collection method: clinical testing. Allele origin: germline. Observed: 1 heterozygote. Study: CSER-NYCKidSeq.
Comment: The p.Thr71Met variant identified in the TNNC1 gene is not reported in the available literature and is absent from the gnomAD database indicating it is an extremely rare allele in the populations represented in that database. The variant affects an evolutionary conserved residue and is predicted deleterious by in silico prediction tools. Based on the current evidence, the p.Thr71Met variant in the TNNC1 gene is assessed as a variant of uncertain significance.

Ambry Genetics
Classification: Uncertain significance for Cardiovascular phenotype. Last evaluated: 2018-04-05. Review status: criteria provided, single submitter. Criteria: Ambry Variant Classification Scheme 2023. Collection method: clinical testing. Allele origin: germline.
Comment: The p.T71M variant (also known as c.212C>T), located in coding exon 4 of the TNNC1 gene, results from a C to T substitution at nucleotide position 212. The threonine at codon 71 is replaced by methionine, an amino acid with similar properties. This amino acid position is highly conserved in available vertebrate species. In addition, the in silico prediction for this alteration is inconclusive. Since supporting evidence is limited at this time, the clinical significance of this alteration remains unclear.

NM_003280.3(TNNC1):c.212C>T (p.Thr71Met)

Gene: TNNC1 (troponin C1, slow skeletal and cardiac type; minus strand). Cytogenetic location: 3p21.1.
Variant type: single nucleotide variant.
Coding change: c.212C>T on transcript NM_003280.3 (MANE Select); coding-DNA position 212, C replaced by T.
Protein change: p.Thr71Met; replaces threonine 71 with methionine.
Molecular consequence: missense variant.
Genome position (GRCh38, 1-based): chr3:52,451,849, G>A on the plus strand (C>T on the coding strand, the complement: TNNC1 is on the minus strand). VCF-style: chr3-52451849-G-A. GRCh37 (hg19) VCF-style: chr3-52485865-G-A.
Other names: short protein forms T71M.
Identifiers: ClinVar variation 992793 (VCV000992793.4), dbSNP rs1706331809, ClinGen allele CA353167606.